The following is an entry in ClinVar:

ClinVar aggregate classification (germline): Pathogenic/Likely pathogenic. Review status: criteria provided, multiple submitters, no conflicts (2 of 4 stars). 2 submissions from 2 submitters: Pathogenic (1); Likely pathogenic (1). Last evaluated 2024-03-04.

Conditions:
ABCA4-related disorder. Also called: ABCA4-related condition; ABCA4-related disorders. Identifiers: MedGen CN239167.

Allele frequency attached by ClinVar (database versions not stated): gnomAD exomes below 0.00001.
gnomAD v4.1: 1 of 1,614,174 alleles (0.000062%); highest among the groups gnomAD compares: Non-Finnish European, 0.000085%; no homozygotes.

Submissions (2):

Blueprint Genetics
Classification: Pathogenic for ABCA4-related disorders. Last evaluated: 2024-03-04. Review status: criteria provided, single submitter. Criteria: ACMG Guidelines, 2015. Collection method: clinical testing. Allele origin: germline. Affected: yes. Observed: 5 variant alleles.

Labcorp Genetics (formerly Invitae), Labcorp
Classification: Likely pathogenic. Last evaluated: 2023-12-22. Review status: criteria provided, single submitter. Criteria: Invitae Variant Classification Sherloc (09022015). Collection method: clinical testing. Allele origin: germline.
Comment: This sequence change replaces glycine, which is neutral and non-polar, with glutamic acid, which is acidic and polar, at codon 966 of the ABCA4 protein (p.Gly966Glu). This variant is not present in population databases (gnomAD no frequency). This missense change has been observed in individual(s) with clinical features of Stargardt disease and/or Cone-rod dystrophy (PMID: 25412400; Invitae). In at least one individual the data is consistent with being in trans (on the opposite chromosome) from a pathogenic variant. This variant is also known as c.2897C>T. ClinVar contains an entry for this variant (Variation ID: 1051959). Advanced modeling of protein sequence and biophysical properties (such as structural, functional, and spatial information, amino acid conservation, physicochemical variation, residue mobility, and thermodynamic stability) performed at Invitae indicates that this missense variant is expected to disrupt ABCA4 protein function with a positive predictive value of 95%. In summary, the currently available evidence indicates that the variant is pathogenic, but additional data are needed to prove that conclusively. Therefore, this variant has been classified as Likely Pathogenic.

Literature cited by the submitters: PubMed 25412400 (cited by Labcorp Genetics (formerly Invitae), Labcorp).

NM_000350.3(ABCA4):c.2897G>A (p.Gly966Glu)

Gene: ABCA4 (ATP binding cassette subfamily A member 4; minus strand). Cytogenetic location: 1p22.1.
Variant type: single nucleotide variant.
Coding change: c.2897G>A on transcript NM_000350.3 (MANE Select); coding-DNA position 2897, G replaced by A.
Protein change: p.Gly966Glu; replaces glycine 966 with glutamic acid.
Molecular consequence: missense variant.
Genome position (GRCh38, 1-based): chr1:94,046,940, C>T on the plus strand (G>A on the coding strand, the complement: ABCA4 is on the minus strand). VCF-style: chr1-94046940-C-T. GRCh37 (hg19) VCF-style: chr1-94512496-C-T.
Other names: c.2675G>A, p.Gly892Glu (NM_001425324.1); short protein forms G966E, G892E.
Identifiers: ClinVar variation 1051959 (VCV001051959.10), dbSNP rs2101057095, ClinGen allele CA341275323.